The following is an entry in ClinVar:

ClinVar aggregate classification (germline): Uncertain significance (1 of 4 stars; one submission).

Conditions:
Cowden syndrome 6 (CWS6). Identifiers: Orphanet 201, MedGen C3554519, MONDO:0014048, OMIM 615109.

Allele frequency attached by ClinVar (database versions not stated): ExAC below 0.00001; gnomAD 0.00001; gnomAD exomes 0.00001.
gnomAD v4.1: 8 of 1,613,324 alleles (0.0005%); highest among the groups gnomAD compares: Non-Finnish European, 0.00059%; no homozygotes.

Submission:

Labcorp Genetics (formerly Invitae), Labcorp
Classification: Uncertain significance for Cowden syndrome 6. Last evaluated: 2023-01-25. Review status: criteria provided, single submitter. Criteria: Invitae Variant Classification Sherloc (09022015). Collection method: clinical testing. Allele origin: germline.
Comment: This sequence change replaces arginine, which is basic and polar, with histidine, which is basic and polar, at codon 76 of the AKT1 protein (p.Arg76His). In summary, the available evidence is currently insufficient to determine the role of this variant in disease. Therefore, it has been classified as a Variant of Uncertain Significance. Algorithms developed to predict the effect of missense changes on protein structure and function (SIFT, PolyPhen-2, Align-GVGD) all suggest that this variant is likely to be disruptive. ClinVar contains an entry for this variant (Variation ID: 473856). This variant has not been reported in the literature in individuals affected with AKT1-related conditions. This variant is not present in population databases (gnomAD no frequency).

NM_001382430.1(AKT1):c.227G>A (p.Arg76His)

Gene: AKT1 (AKT serine/threonine kinase 1; minus strand). Cytogenetic location: 14q32.33.
Variant type: single nucleotide variant.
Coding change: c.227G>A on transcript NM_001382430.1 (MANE Select); coding-DNA position 227, G replaced by A.
Protein change: p.Arg76His; replaces arginine 76 with histidine.
Molecular consequence: missense variant.
Genome position (GRCh38, 1-based): chr14:104,776,719, C>T on the plus strand (G>A on the coding strand, the complement: AKT1 is on the minus strand). VCF-style: chr14-104776719-C-T. GRCh37 (hg19) VCF-style: chr14-105243056-C-T.
Other names: c.227G>A, p.Arg76His (NM_001014431.2, NM_001014432.2, NM_001382431.1 and 3 more transcripts); short protein forms R76H.
Identifiers: ClinVar variation 473856 (VCV000473856.9), dbSNP rs771065764, ClinGen allele CA7374853.
Genomic context (GRCh38, chr14:104,776,719, plus strand): 5'-CGCTCCTCAGGAGTCTCCACATGGAAGGTGCGTTCGATGACAGTGGTCCACTGCAGGCAG[C>T]GGATGATGAAGGTGTTGGGCCGGGGCCGCTCCGTCTTCATCAGCTGGCACTCTGCGGGCA-3'
Protein context (NP_001369359.1, residues 66-86): ERPRPNTFII[Arg76His]CLQWTTVIER